The following is an entry in ClinVar:

ClinVar aggregate classification (germline): Pathogenic (1 of 4 stars; one submission).

Submission:

Labcorp Genetics (formerly Invitae), Labcorp
Classification: Pathogenic. Last evaluated: 2023-04-07. Review status: criteria provided, single submitter. Criteria: Invitae Variant Classification Sherloc (09022015). Collection method: clinical testing. Allele origin: germline.
Comment: For these reasons, this variant has been classified as Pathogenic. This variant has not been reported in the literature in individuals affected with TG-related conditions. This variant is not present in population databases (gnomAD no frequency). This sequence change creates a premature translational stop signal (p.Asn2285Metfs*59) in the TG gene. It is expected to result in an absent or disrupted protein product. Loss-of-function variants in TG are known to be pathogenic (PMID: 19837936, 23164529).

Literature cited by the submitters: PubMed 19837936; PubMed 23164529.

NM_003235.5(TG):c.6854del (p.Asn2285fs)

Gene: TG (thyroglobulin; plus strand). Cytogenetic location: 8q24.22.
Variant type: Deletion.
Coding change: c.6854del on transcript NM_003235.5 (MANE Select); coding-DNA position 6854, one base deleted (A; older notation c.6854delA).
Protein change: p.Asn2285fs; shifts the reading frame from asparagine 2285.
Molecular consequence: frameshift variant.
Genome position (GRCh38, 1-based): chr8:133,019,673, A deleted; the last of 2 consecutive A bases (chr8:133,019,672-133,019,673); deleting either gives the same sequence. VCF-style (leftmost placement, unchanged base first): chr8-133019671-CA-C. GRCh37 (hg19) VCF-style: chr8-134031916-CA-C.
Other names: short protein forms N2285fs.
Identifiers: ClinVar variation 2853138 (VCV002853138.3), dbSNP rs2536873718, ClinGen allele CA2739268975.